The following is an entry in ClinVar:

NM_001378454.1(ALMS1):c.7765A>T (p.Thr2589Ser)

Gene: ALMS1 (ALMS1 centrosome and basal body associated protein; plus strand). Cytogenetic location: 2p13.1.
Variant type: single nucleotide variant.
Coding change: c.7765A>T on transcript NM_001378454.1 (MANE Select); coding-DNA position 7765, A replaced by T.
Protein change: p.Thr2589Ser; replaces threonine 2589 with serine.
Molecular consequence: missense variant.
Genome position (GRCh38, 1-based): chr2:73,489,724, A>T. VCF-style: chr2-73489724-A-T. GRCh37 (hg19) VCF-style: chr2-73716851-A-T.
Other names: c.7768A>T, p.Thr2590Ser (NM_015120.4); short protein forms T2589S, T2590S.
Identifiers: ClinVar variation 4778190 (VCV004778190.1).
Genomic context (GRCh38, chr2:73,489,724, plus strand): 5'-AAGCCAGAAGCTGTATGTAGTCACATTATTATTGAGAGCCATGAAAAGGGATGTTTCCGG[A>T]CTCTAACTTCTGAACATCCACAACTAGATAGACACCCTTGTGCTTTCAGATCTGCTGGAC-3'
Protein context (NP_001365383.1, residues 2579-2599): IESHEKGCFR[Thr2589Ser]LTSEHPQLDR

ClinVar aggregate classification (germline): Uncertain significance (1 of 4 stars; one submission).

Conditions:
Alstrom syndrome (ALMS). Identifiers: Orphanet 64, MedGen C0268425, MONDO:0008763, OMIM 203800.

Submission:

Labcorp Genetics (formerly Invitae), Labcorp
Classification: Uncertain significance for Alstrom syndrome. Last evaluated: 2025-11-17. Review status: criteria provided, single submitter. Criteria: Invitae Variant Classification Sherloc (09022015). Collection method: clinical testing. Allele origin: germline.
Comment: This sequence change replaces threonine, which is neutral and polar, with serine, which is neutral and polar, at codon 2590 of the ALMS1 protein (p.Thr2590Ser). This variant is not present in population databases (gnomAD no frequency). This variant has not been reported in the literature in individuals affected with ALMS1-related conditions. Experimental studies and prediction algorithms are not available or were not evaluated, and the functional significance of this variant is currently unknown. In summary, the available evidence is currently insufficient to determine the role of this variant in disease. Therefore, it has been classified as a Variant of Uncertain Significance.